The following is an entry in ClinVar:

ClinVar aggregate classification (germline): Conflicting classifications of pathogenicity. Review status: criteria provided, conflicting classifications (1 of 4 stars). 6 submissions from 6 submitters: Uncertain significance (4); Likely benign (1). 1 of the submissions does not count toward it. Last evaluated 2024-12-02.

Conditions:
Hyperprolinemia type 2 (HYRPRO2). Also called: Deficiency of pyrroline-5-carboxylate reductase; 1-PYRROLINE-5-CARBOXYLATE DEHYDROGENASE DEFICIENCY; Delta-1-pyrroline-5-carboxylate dehydrogenase deficiency. Identifiers: Orphanet 79101, MedGen C2931835, MONDO:0009401, OMIM 239510.
ALDH4A1-related disorder. Also called: ALDH4A1-related condition.

Allele frequency attached by ClinVar (database versions not stated): TOPMed 0.00009; gnomAD 0.00010 and 0.00017; 1000 Genomes Project 30x 0.00031; ExAC 0.00037; 1000 Genomes Project 0.00040.
gnomAD v4.1: 348 of 1,613,860 alleles (0.022%); highest among the groups gnomAD compares: South Asian, 0.19%; 4 homozygotes.

Submissions (6):

Labcorp Genetics (formerly Invitae), Labcorp
Classification: Uncertain significance for Hyperprolinemia type 2. Last evaluated: 2024-12-02. Review status: criteria provided, single submitter. Criteria: Invitae Variant Classification Sherloc (09022015). Collection method: clinical testing. Allele origin: germline.
Comment: This sequence change replaces arginine, which is basic and polar, with leucine, which is neutral and non-polar, at codon 247 of the ALDH4A1 protein (p.Arg247Leu). This variant is present in population databases (rs558761793, gnomAD 0.2%). This variant has not been reported in the literature in individuals affected with ALDH4A1-related conditions. ClinVar contains an entry for this variant (Variation ID: 876208). An algorithm developed to predict the effect of missense changes on protein structure and function (PolyPhen-2) suggests that this variant¬†is likely to be tolerated. In summary, the available evidence is currently insufficient to determine the role of this variant in disease. Therefore, it has been classified as a Variant of Uncertain Significance.

CeGaT Center for Human Genetics Tuebingen
Classification: Likely benign. Last evaluated: 2023-03-01. Review status: criteria provided, single submitter. Criteria: CeGaT Center For Human Genetics Tuebingen Variant Classification Criteria Version 2. Collection method: clinical testing. Allele origin: germline. Affected: yes. Observed: 1 variant allele.
Comment: ALDH4A1: BP4

Ambry Genetics
Classification: Uncertain significance. Last evaluated: 2022-01-05. Review status: criteria provided, single submitter. Criteria: Ambry Variant Classification Scheme 2023. Collection method: clinical testing. Allele origin: germline.

Illumina Laboratory Services, Illumina
Classification: Uncertain significance for Hyperprolinemia type 2. Last evaluated: 2018-01-12. Review status: criteria provided, single submitter. Criteria: ICSL Variant Classification Criteria 13 December 2019. Collection method: clinical testing. Allele origin: germline.

Breakthrough Genomics
Classification: Uncertain significance. Review status: criteria provided, single submitter. Criteria: ACMG Guidelines, 2015. Collection method: not provided. Allele origin: germline. Inheritance: Autosomal recessive inheritance. Affected: yes.

PreventionGenetics, part of Exact Sciences
Classification: Likely benign for ALDH4A1-related condition. Last evaluated: 2022-11-01. Review status: no assertion criteria provided. Collection method: clinical testing. Allele origin: germline. Not counted in ClinVar's aggregate classification.
Comment: This variant is classified as likely benign based on ACMG/AMP sequence variant interpretation guidelines (Richards et al. 2015 PMID: 25741868, with internal and published modifications).

NM_003748.4(ALDH4A1):c.740G>T (p.Arg247Leu)

Gene: ALDH4A1 (aldehyde dehydrogenase 4 family member A1; minus strand). Cytogenetic location: 1p36.13.
Variant type: single nucleotide variant.
Coding change: c.740G>T on transcript NM_003748.4 (MANE Select); coding-DNA position 740, G replaced by T.
Protein change: p.Arg247Leu; replaces arginine 247 with leucine.
Molecular consequence: missense variant.
Genome position (GRCh38, 1-based): chr1:18,881,826, C>A on the plus strand (G>T on the coding strand, the complement: ALDH4A1 is on the minus strand). VCF-style: chr1-18881826-C-A. GRCh37 (hg19) VCF-style: chr1-19208320-C-A.
Other names: c.560G>T, p.Arg187Leu (NM_001161504.2); c.740G>T, p.Arg247Leu (NM_001319218.2, NM_170726.3); c.740G>T (NM_170726.2); short protein forms R187L, R247L.
Identifiers: ClinVar variation 876208 (VCV000876208.37), dbSNP rs558761793, ClinGen allele CA647213.